The following is an entry in ClinVar:

NM_005534.4(IFNGR2):c.361G>C (p.Ala121Pro)

Gene: IFNGR2 (interferon gamma receptor 2; plus strand). Cytogenetic location: 21q22.11.
Variant type: single nucleotide variant.
Coding change: c.361G>C on transcript NM_005534.4 (MANE Select); coding-DNA position 361, G replaced by C.
Protein change: p.Ala121Pro; replaces alanine 121 with proline.
Molecular consequence: missense variant.
Genome position (GRCh38, 1-based): chr21:33,421,634, G>C. VCF-style: chr21-33421634-G-C. GRCh37 (hg19) VCF-style: chr21-34793941-G-C.
Other names: c.418G>C, p.Ala140Pro (NM_001329128.2); short protein forms A140P, A121P.
Identifiers: ClinVar variation 1471698 (VCV001471698.8), dbSNP rs776967196, ClinGen allele CA410117417.
Genomic context (GRCh38, chr21:33,421,634, plus strand): 5'-CCCTCAGCAGGCTTCCCAATGGATTTCAATGTCACTCTACGCCTTCGAGCTGAGCTGGGA[G>C]CACTCCATTCTGCCTGGGTGACAATGCCTTGGTTTCAACACTATCGGAATGGTAAGAGAA-3'
Protein context (NP_005525.2, residues 111-131): VTLRLRAELG[Ala121Pro]LHSAWVTMPW

ClinVar aggregate classification (germline): Uncertain significance (1 of 4 stars; one submission).

Conditions:
Immunodeficiency 28 (IMD28). Also called: IFNGR2 DEFICIENCY. Identifiers: Orphanet 319547, Orphanet 319574, MedGen C4013947, MONDO:0013953, OMIM 614889.

Submission:

Labcorp Genetics (formerly Invitae), Labcorp
Classification: Uncertain significance for Immunodeficiency 28. Last evaluated: 2021-06-06. Review status: criteria provided, single submitter. Criteria: Invitae Variant Classification Sherloc (09022015). Collection method: clinical testing. Allele origin: germline.
Comment: In summary, the available evidence is currently insufficient to determine the role of this variant in disease. Therefore, it has been classified as a Variant of Uncertain Significance. Algorithms developed to predict the effect of missense changes on protein structure and function (SIFT, PolyPhen-2, Align-GVGD) all suggest that this variant is likely to be tolerated, but these predictions have not been confirmed by published functional studies and their clinical significance is uncertain. This variant has not been reported in the literature in individuals with IFNGR2-related conditions. This variant is not present in population databases (ExAC no frequency). This sequence change replaces alanine with proline at codon 121 of the IFNGR2 protein (p.Ala121Pro). The alanine residue is weakly conserved and there is a small physicochemical difference between alanine and proline.